The following is an entry in ClinVar:

NM_001374385.1(ATP8B1):c.1029+35A>G

Genes: ATP8B1 (ATPase phospholipid transporting 8B1; minus strand), LOC126862761 (CDK7 strongly-dependent group 2 enhancer GRCh37_chr18:55360919-55362118; plus strand). Cytogenetic location: 18q21.31.
Variant type: single nucleotide variant.
Coding change: c.1029+35A>G on transcript NM_001374385.1 (MANE Select); 35 bases into the intron after coding-DNA position 1029, A replaced by G.
Molecular consequence: intron variant.
Genome position (GRCh38, 1-based): chr18:57,694,547, T>C on the plus strand (A>G on the coding strand, the complement: ATP8B1 is on the minus strand). VCF-style: chr18-57694547-T-C. GRCh37 (hg19) VCF-style: chr18-55361779-T-C.
Other names: c.1029+35A>G (NM_005603.6); c.879+35A>G (NM_001374386.1).
Identifiers: ClinVar variation 4846314 (VCV004846314.1).
Genomic context (GRCh38, chr18:57,694,547, plus strand): 5'-AAGAGGTAAGATTTTGTATTAGAAAAACATACGATAATATTAGTGCAAAAGACAGCAATC[T>C]AGATGAGAGATCTACTGAGATGAAAAATAAATACCGTGTAAACCATGTAGTTCATCAAGT-3'

ClinVar aggregate classification (germline): Uncertain significance (1 of 4 stars; one submission).

Conditions:
Familial intrahepatic cholestasis. Identifiers: Orphanet 284385, MedGen CN296401, MONDO:0017290.

gnomAD v4.1: 1 of 1,343,720 alleles (0.000074%); highest among the groups gnomAD compares: Non-Finnish European, 0.00011%; no homozygotes.

Submission:

Genomenon, Inc
Classification: Uncertain significance for Familial intrahepatic cholestasis. Last evaluated: 2026-04-14. Review status: criteria provided, single submitter. Criteria: Genomenon Sequence Variant Interpretation Standards - Updated. Collection method: curation. Allele origin: germline. Affected: no.
Comment: ATP8B1 c.1029+35A>G is an intronic variant located in intron 11. This variant has been reported in the published literature (PMID:15657619). It is absent or not present at a significant frequency in gnomAD. In conclusion, we classify ATP8B1 c.1029+35A>G as a variant of uncertain significance.

Literature cited by the submitters: PubMed 15657619.